The following is an entry in ClinVar:

ClinVar aggregate classification (germline): Uncertain significance. Review status: criteria provided, multiple submitters, no conflicts (2 of 4 stars). 3 submissions from 3 submitters: Uncertain significance (3). Last evaluated 2025-09-05.

Conditions:
Short-rib thoracic dysplasia 8 with or without polydactyly (SRTD8). Also called: SHORT-RIB THORACIC DYSPLASIA 8 WITH POLYDACTYLY. Identifiers: Orphanet 93271, MedGen C3809691, MONDO:0014214, OMIM 615503.
Inborn genetic diseases. Identifiers: MedGen C0950123, MeSH D030342.

Allele frequency attached by ClinVar (database versions not stated): ExAC 0.00020; ESP Exome Variant Server 0.00023; gnomAD exomes 0.00028 and 0.00032; gnomAD 0.00041 and 0.00042; TOPMed 0.00057; 1000 Genomes Project 30x 0.00078; 1000 Genomes Project 0.00100.

Submissions (3):

Ambry Genetics
Classification: Uncertain significance for Inborn genetic diseases. Last evaluated: 2025-09-05. Review status: criteria provided, single submitter. Criteria: Ambry Variant Classification Scheme 2023. Collection method: clinical testing. Allele origin: germline.

Labcorp Genetics (formerly Invitae), Labcorp
Classification: Uncertain significance for Short-rib thoracic dysplasia 8 with or without polydactyly. Last evaluated: 2023-08-03. Review status: criteria provided, single submitter. Criteria: Invitae Variant Classification Sherloc (09022015). Collection method: clinical testing. Allele origin: germline.
Comment: In summary, the available evidence is currently insufficient to determine the role of this variant in disease. Therefore, it has been classified as a Variant of Uncertain Significance. Algorithms developed to predict the effect of missense changes on protein structure and function output the following: SIFT: "Not Available"; PolyPhen-2: "Probably Damaging"; Align-GVGD: "Not Available". The tryptophan amino acid residue is found in multiple mammalian species, which suggests that this missense change does not adversely affect protein function. ClinVar contains an entry for this variant (Variation ID: 999255). This variant has not been reported in the literature in individuals affected with WDR60-related conditions. This variant is present in population databases (rs75914977, gnomAD 0.06%). This sequence change replaces arginine, which is basic and polar, with tryptophan, which is neutral and slightly polar, at codon 151 of the WDR60 protein (p.Arg151Trp).

GeneDx
Classification: Uncertain significance. Last evaluated: 2022-01-05. Review status: criteria provided, single submitter. Criteria: GeneDx Variant Classification Process June 2021. Collection method: clinical testing. Allele origin: germline. Affected: yes.
Comment: In silico analysis supports that this missense variant has a deleterious effect on protein structure/function; Has not been previously published as pathogenic or benign to our knowledge

NM_018051.5(DYNC2I1):c.451C>T (p.Arg151Trp)

Gene: DYNC2I1 (dynein 2 intermediate chain 1; plus strand). Cytogenetic location: 7q36.3.
Variant type: single nucleotide variant.
Coding change: c.451C>T on transcript NM_018051.5 (MANE Select); coding-DNA position 451, C replaced by T.
Protein change: p.Arg151Trp; replaces arginine 151 with tryptophan.
Molecular consequence: missense variant. On other transcripts: 5 prime UTR variant (4).
Genome position (GRCh38, 1-based): chr7:158,871,523, C>T. VCF-style: chr7-158871523-C-T. GRCh37 (hg19) VCF-style: chr7-158664214-C-T.
Other names: c.313C>T, p.Arg105Trp (NM_001350914.2); c.-67C>T (NM_001350915.2); c.-908C>T (NM_001350916.2); c.-916C>T (NM_001350917.2); c.-1035C>T (NM_001350918.2); short protein forms R105W, R151W.
Identifiers: ClinVar variation 999255 (VCV000999255.9), dbSNP rs75914977, ClinGen allele CA4594296.